The following is an entry in ClinVar:

ClinVar aggregate classification (germline): Benign (1 of 4 stars; one submission).

Conditions:
Megalencephalic leukoencephalopathy with subcortical cysts. Also called: VAN DER KNAAP DISEASE. Identifiers: Orphanet 2478, MedGen C1858854, MONDO:0011391.

Allele frequency attached by ClinVar (database versions not stated): gnomAD exomes 0.00025 and 0.00099; gnomAD 0.00030 and 0.00037; TOPMed 0.00061; ExAC 0.00098; 1000 Genomes Project 30x 0.00109; 1000 Genomes Project 0.00120.
gnomAD v4.1: 421 of 1,593,012 alleles (0.026%); highest among the groups gnomAD compares: East Asian, 0.85%; 2 homozygotes.

Submission:

Illumina Laboratory Services, Illumina
Classification: Benign for Megalencephalic leukoencephalopathy with subcortical cysts. Last evaluated: 2018-01-13. Review status: criteria provided, single submitter. Criteria: ICSL Variant Classification Criteria 13 December 2019. Collection method: clinical testing. Allele origin: germline.
Comment: This variant was observed in the ICSL laboratory as part of a predisposition screen in an ostensibly healthy population. It had not been previously curated by ICSL or reported in the Human Gene Mutation Database (HGMD: prior to June 1st, 2018), and was therefore a candidate for classification through an automated scoring system. Utilizing variant allele frequency, disease prevalence and penetrance estimates, and inheritance mode, an automated score was calculated to assess if this variant is too frequent to cause the disease. Based on the score and internal cut-off values, a variant classified as benign is not then subjected to further curation. The score for this variant resulted in a classification of benign for this disease.

NM_152722.5(HEPACAM):c.-28G>A

Gene: HEPACAM (hepatic and glial cell adhesion molecule; minus strand). Cytogenetic location: 11q24.2.
Variant type: single nucleotide variant.
Coding change: c.-28G>A on transcript NM_152722.5 (MANE Select); 28 bases upstream of the start codon, G replaced by A.
Molecular consequence: 5 prime UTR variant.
Genome position (GRCh38, 1-based): chr11:124,936,034, C>T on the plus strand (G>A on the coding strand, the complement: HEPACAM is on the minus strand). VCF-style: chr11-124936034-C-T. GRCh37 (hg19) VCF-style: chr11-124805930-C-T.
Identifiers: ClinVar variation 303341 (VCV000303341.5), dbSNP rs146644154, ClinGen allele CA6345859.
Genomic context (GRCh38, chr11:124,936,034, plus strand): 5'-GGCTCTGGACAGGGCTCCCCTTTCTCTCTTCATTTTGGGTGGCGTTCTCCAGCTCTAGTG[C>T]AGACAATTAGCATGATTTCTCCACTCTGGGCACGTCCCCTTTGTACCACTCGGAGTTTCT-3'